The following is an entry in ClinVar:

NM_014946.4(SPAST):c.1349G>A (p.Arg450Lys)

Gene: SPAST (spastin; plus strand). Cytogenetic location: 2p22.3.
Variant type: single nucleotide variant.
Coding change: c.1349G>A on transcript NM_014946.4 (MANE Select); coding-DNA position 1349, G replaced by A.
Protein change: p.Arg450Lys; replaces arginine 450 with lysine.
Molecular consequence: missense variant.
Genome position (GRCh38, 1-based): chr2:32,136,904, G>A. VCF-style: chr2-32136904-G-A. GRCh37 (hg19) VCF-style: chr2-32361973-G-A.
Other names: c.1253G>A, p.Arg418Lys (NM_199436.2, NM_001377959.1); c.1346G>A, p.Arg449Lys (NM_001363823.2); c.1250G>A, p.Arg417Lys (NM_001363875.2); short protein forms R418K, R450K, R449K, R417K.
Identifiers: ClinVar variation 1038129 (VCV001038129.14), dbSNP rs1679553997, ClinGen allele CA346502220.

ClinVar aggregate classification (germline): Pathogenic/Likely pathogenic. Review status: criteria provided, multiple submitters, no conflicts (2 of 4 stars). 2 submissions from 2 submitters: Pathogenic (1); Likely pathogenic (1). Last evaluated 2025-10-06.

Conditions:
Hereditary spastic paraplegia 4. Also called: Familial spastic paraplegia autosomal dominant 2; Spastic Paraplegia 4; Spastic paraplegia 4, autosomal dominant. Identifiers: Orphanet 100985, MedGen C1866855, MONDO:0008438, OMIM 182601.

Submissions (2):

Labcorp Genetics (formerly Invitae), Labcorp
Classification: Pathogenic for Hereditary spastic paraplegia 4. Last evaluated: 2025-10-06. Review status: criteria provided, single submitter. Criteria: Invitae Variant Classification Sherloc (09022015). Collection method: clinical testing. Allele origin: germline.
Comment: This sequence change replaces arginine, which is basic and polar, with lysine, which is basic and polar, at codon 450 of the SPAST protein (p.Arg450Lys). This variant is not present in population databases (gnomAD no frequency). This missense change has been observed in individuals with clinical features of autosomal dominant hereditary spastic paraplegia (PMID: 38145127; internal data). ClinVar contains an entry for this variant (Variation ID: 1038129). Invitae Evidence Modeling of protein sequence and biophysical properties (such as structural, functional, and spatial information, amino acid conservation, physicochemical variation, residue mobility, and thermodynamic stability) indicates that this missense variant is expected to disrupt SPAST protein function with a positive predictive value of 80%. This variant disrupts the p.Arg450 amino acid residue in SPAST. Other variant(s) that disrupt this residue have been observed in individuals with SPAST-related conditions (PMID: 21546041; internal data), which suggests that this may be a clinically significant amino acid residue. For these reasons, this variant has been classified as Pathogenic.

Mayo Clinic Laboratories, Mayo Clinic
Classification: Likely pathogenic. Last evaluated: 2019-11-18. Review status: criteria provided, single submitter. Criteria: ACMG Guidelines, 2015. Collection method: clinical testing. Allele origin: germline.
Comment: PP2, PP3, PM1, PM2, PS4_moderate

Literature cited by the submitters: PubMed 38145127 (cited by Labcorp Genetics (formerly Invitae), Labcorp and Mayo Clinic Laboratories, Mayo Clinic); PubMed 21546041 (cited by Labcorp Genetics (formerly Invitae), Labcorp and Mayo Clinic Laboratories, Mayo Clinic); PubMed 30476002 (cited by Mayo Clinic Laboratories, Mayo Clinic); PubMed 36109173 (cited by Mayo Clinic Laboratories, Mayo Clinic).